The following is an entry in ClinVar:

ClinVar aggregate classification (germline): Uncertain significance (1 of 4 stars; one submission).

Submission:

GeneDx
Classification: Uncertain significance. Last evaluated: 2024-04-15. Review status: criteria provided, single submitter. Criteria: GeneDx Variant Classification Process June 2021. Collection method: clinical testing. Allele origin: germline. Affected: yes.
Comment: Not observed at significant frequency in large population cohorts (gnomAD); In silico analysis supports that this missense variant has a deleterious effect on protein structure/function; Has not been previously published as pathogenic or benign to our knowledge

NM_003128.3(SPTBN1):c.5393C>T (p.Thr1798Ile)

Gene: SPTBN1 (spectrin beta, non-erythrocytic 1; plus strand). Cytogenetic location: 2p16.2.
Variant type: single nucleotide variant.
Coding change: c.5393C>T on transcript NM_003128.3 (MANE Select); coding-DNA position 5393, C replaced by T.
Protein change: p.Thr1798Ile; replaces threonine 1798 with isoleucine.
Molecular consequence: missense variant.
Genome position (GRCh38, 1-based): chr2:54,649,805, C>T. VCF-style: chr2-54649805-C-T. GRCh37 (hg19) VCF-style: chr2-54876942-C-T.
Other names: c.5354C>T, p.Thr1785Ile (NM_178313.3); short protein forms T1785I, T1798I.
Identifiers: ClinVar variation 3372454 (VCV003372454.1).
Genomic context (GRCh38, chr2:54,649,805, plus strand): 5'-AATGGAAGGATGGCCTCAATGAAGCCTGGGCCGACCTCCTGGAGCTCATTGACACAAGAA[C>T]ACAGATTCTTGCCGCTTCCTATGAACTGCACAAGTTTTACCACGATGCCAAGGAGATCTT-3'
Protein context (NP_003119.2, residues 1788-1808): ADLLELIDTR[Thr1798Ile]QILAASYELH